The following is an entry in ClinVar:

NM_014946.4(SPAST):c.1103T>C (p.Phe368Ser)

Gene: SPAST (spastin; plus strand). Cytogenetic location: 2p22.3.
Variant type: single nucleotide variant.
Coding change: c.1103T>C on transcript NM_014946.4 (MANE Select); coding-DNA position 1103, T replaced by C.
Protein change: p.Phe368Ser; replaces phenylalanine 368 with serine.
Molecular consequence: missense variant.
Genome position (GRCh38, 1-based): chr2:32,126,952, T>C. VCF-style: chr2-32126952-T-C. GRCh37 (hg19) VCF-style: chr2-32352021-T-C.
Other names: c.1100T>C, p.Phe367Ser (NM_001363823.2); c.1004T>C, p.Phe335Ser (NM_001363875.2); c.1007T>C, p.Phe336Ser (NM_001377959.1, NM_199436.2); short protein forms F368S, F367S, F335S, F336S.
Identifiers: ClinVar variation 536436 (VCV000536436.10), dbSNP rs1553316799, ClinGen allele CA346501201.

ClinVar aggregate classification (germline): Pathogenic/Likely pathogenic. Review status: criteria provided, multiple submitters, no conflicts (2 of 4 stars). 3 submissions from 3 submitters: Pathogenic (1); Likely pathogenic (2). Last evaluated 2022-07-27.

Conditions:
SPAST-related disorder. Also called: SPAST-related condition.
Hereditary spastic paraplegia 4. Also called: Spastic paraplegia 4, autosomal dominant; Familial spastic paraplegia autosomal dominant 2; Spastic Paraplegia 4. Identifiers: Orphanet 100985, MedGen C1866855, MONDO:0008438, OMIM 182601.

Submissions (3):

Women's Health and Genetics/Laboratory Corporation of America, LabCorp
Classification: Likely pathogenic for Hereditary spastic paraplegia 4. Last evaluated: 2022-07-27. Review status: criteria provided, single submitter. Criteria: LabCorp Variant Classification Summary - May 2015. Collection method: clinical testing. Allele origin: germline.
Comment: Variant summary: SPAST c.1103T>C (p.Phe368Ser) results in a non-conservative amino acid change in the encoded protein sequence. Five of five in-silico tools predict a damaging effect of the variant on protein function. The variant was absent in 250952 control chromosomes. c.1103T>C has been reported in the literature in individuals affected with hereditary spastic paraparesis and ataxic disorder (McDermott_2006, Ngo_2020). These data indicate that the variant is likely to be associated with disease. To our knowledge, no experimental evidence demonstrating an impact on protein function has been reported. One clinical diagnostic laboratory has submitted clinical-significance assessments for this variant to ClinVar after 2014 without evidence for independent evaluation. One laboratory classified the variant as pathogenic. Based on the evidence outlined above, the variant was classified as likely pathogenic.

Blueprint Genetics
Classification: Likely pathogenic for SPAST-related disorders. Last evaluated: 2021-11-16. Review status: criteria provided, single submitter. Criteria: ACMG Guidelines, 2015. Collection method: clinical testing. Allele origin: germline. Affected: yes. Observed: 1 variant allele.

Labcorp Genetics (formerly Invitae), Labcorp
Classification: Pathogenic for Hereditary spastic paraplegia 4. Last evaluated: 2017-12-17. Review status: criteria provided, single submitter. Criteria: Invitae Variant Classification Sherloc (09022015). Collection method: clinical testing. Allele origin: germline.
Comment: This variant is not present in population databases (ExAC no frequency). For these reasons, this variant has been classified as Pathogenic. Different missense substitutions at this codon (p.Phe368Val and p.Phe368Leu) have been reported in affected individuals (PMID: 28572275, 21546041). This suggests that the phenylalanine residue is critical for SPAST protein function. Algorithms developed to predict the effect of missense changes on protein structure and function (SIFT, PolyPhen-2, Align-GVGD) all suggest that this variant is likely to be disruptive, but these predictions have not been confirmed by published functional studies and their clinical significance is uncertain. This variant has been reported in multiple individuals affected with hereditary spastic paraplegia (PMID: 16832076). This sequence change replaces phenylalanine with serine at codon 368 of the SPAST protein (p.Phe368Ser). The phenylalanine residue is highly conserved and there is a large physicochemical difference between phenylalanine and serine.

Literature cited by the submitters: PubMed 31692161 (cited by Women's Health and Genetics/Laboratory Corporation of America, LabCorp); PubMed 16832076 (cited by Women's Health and Genetics/Laboratory Corporation of America, LabCorp and Labcorp Genetics (formerly Invitae), Labcorp); PubMed 28572275 (cited by Labcorp Genetics (formerly Invitae), Labcorp); PubMed 21546041 (cited by Labcorp Genetics (formerly Invitae), Labcorp).